The following is an entry in ClinVar:

ClinVar aggregate classification (germline): Uncertain significance (1 of 4 stars; one submission).

Conditions:
Familial thoracic aortic aneurysm and aortic dissection (TAAD). Also called: Thoracic aortic aneurysms and dissections. Identifiers: Orphanet 91387, MedGen C4707243, MONDO:0019625.

Submission:

Ambry Genetics
Classification: Uncertain significance for Familial thoracic aortic aneurysm and aortic dissection. Last evaluated: 2024-03-17. Review status: criteria provided, single submitter. Criteria: Ambry Variant Classification Scheme 2023. Collection method: clinical testing. Allele origin: germline.
Comment: The p.P280S variant (also known as c.838C>T), located in coding exon 4 of the TGFBR2 gene, results from a C to T substitution at nucleotide position 838. The proline at codon 280 is replaced by serine, an amino acid with similar properties. This amino acid position is conserved. In addition, this alteration is predicted to be tolerated by in silico analysis. Based on the available evidence, the clinical significance of this alteration remains unclear.

NM_003242.6(TGFBR2):c.838C>T (p.Pro280Ser)

Gene: TGFBR2 (transforming growth factor beta receptor 2; plus strand). Cytogenetic location: 3p24.1.
Variant type: single nucleotide variant.
Coding change: c.838C>T on transcript NM_003242.6 (MANE Select); coding-DNA position 838, C replaced by T.
Protein change: p.Pro280Ser; replaces proline 280 with serine.
Molecular consequence: missense variant. On other transcripts: intron variant (1).
Genome position (GRCh38, 1-based): chr3:30,672,021, C>T. VCF-style: chr3-30672021-C-T. GRCh37 (hg19) VCF-style: chr3-30713513-C-T.
Other names: c.733C>T, p.Pro245Ser (NM_001407132.1, NM_001407133.1, NM_001407134.1 and 2 more transcripts); c.530-16366C>T (NM_001407139.1); c.553C>T, p.Pro185Ser (NM_001407137.1); c.478C>T, p.Pro160Ser (NM_001407138.1); c.913C>T, p.Pro305Ser (NM_001024847.3); c.1021C>T, p.Pro341Ser (NM_001407126.1); c.946C>T, p.Pro316Ser (NM_001407127.1); c.865C>T, p.Pro289Ser (NM_001407128.1); and 2 more; short protein forms P280S, P160S, P305S, P185S, P245S, P281S, P316S, P289S.
Identifiers: ClinVar variation 3325717 (VCV003325717.1).